The following is an entry in ClinVar:

ClinVar aggregate classification (germline): Uncertain significance. Review status: criteria provided, multiple submitters, no conflicts (2 of 4 stars). 2 submissions from 2 submitters: Uncertain significance (2). Last evaluated 2022-12-03.

Submissions (2):

Labcorp Genetics (formerly Invitae), Labcorp
Classification: Uncertain significance. Last evaluated: 2022-12-03. Review status: criteria provided, single submitter. Criteria: Invitae Variant Classification Sherloc (09022015). Collection method: clinical testing. Allele origin: germline.
Comment: In summary, the available evidence is currently insufficient to determine the role of this variant in disease. Therefore, it has been classified as a Variant of Uncertain Significance. Algorithms developed to predict the effect of missense changes on protein structure and function (SIFT, PolyPhen-2, Align-GVGD) all suggest that this variant is likely to be disruptive. This variant has not been reported in the literature in individuals affected with ARID1B-related conditions. This variant is not present in population databases (gnomAD no frequency). This sequence change replaces glutamine, which is neutral and polar, with arginine, which is basic and polar, at codon 1420 of the ARID1B protein (p.Gln1420Arg).

Blueprint Genetics
Classification: Uncertain significance. Last evaluated: 2020-10-08. Review status: criteria provided, single submitter. Criteria: ACMG Guidelines, 2015. Collection method: clinical testing. Allele origin: germline.

NM_001374828.1(ARID1B):c.4628A>G (p.Gln1543Arg)

Gene: ARID1B (AT-rich interaction domain 1B; plus strand). Cytogenetic location: 6q25.3.
Variant type: single nucleotide variant.
Coding change: c.4628A>G on transcript NM_001374828.1 (MANE Select); coding-DNA position 4628, A replaced by G.
Protein change: p.Gln1543Arg; replaces glutamine 1543 with arginine.
Molecular consequence: missense variant.
Genome position (GRCh38, 1-based): chr6:157,200,853, A>G. VCF-style: chr6-157200853-A-G. GRCh37 (hg19) VCF-style: chr6-157521987-A-G.
Other names: c.4379A>G, p.Gln1460Arg (NM_001346813.1); c.2129A>G, p.Gln710Arg (NM_001363725.2); c.4508A>G, p.Gln1503Arg (NM_001371656.1, NM_001374820.1); c.4469A>G, p.Gln1490Arg (NM_017519.3); c.4259A>G, p.Gln1420Arg (NM_020732.3); c.4046A>G, p.Gln1349Arg (NM_175863.2); short protein forms Q1503R, Q1420R, Q1460R, Q1490R, Q710R, Q1349R, Q1543R.
Identifiers: ClinVar variation 2815168 (VCV002815168.4), dbSNP rs2538673279, ClinGen allele CA366241077.